The following is an entry in ClinVar:

ClinVar aggregate classification (somatic clinical impact): Tier II - Potential (1 of 4 stars; one submission).

Conditions:
Melanoma. Identifiers: MedGen C0025202, MeSH D008545, MONDO:0005105, HP:0002861.

Submission:

Institute for Genomic Medicine (IGM) Clinical Laboratory, Nationwide Children's Hospital
Classification: Tier II - Potential for Melanoma. Assertion type: diagnostic. Clinical significance: supports diagnosis. Last evaluated: 2024-08-13. Review status: criteria provided, single submitter. Criteria: AMP/ASCO/CAP Guidelines, 2017. Collection method: clinical testing. Allele origin: somatic. Affected: yes.
Comment: Variant has Tier II (potential) clinical significance as a diagnostic inclusion criterion in melanoma, based on the following evidence: 1) Documented in one or more cancer databases (e.g., St. Jude Pecan, COSMIC, CIViC, OncoKB). 2) Information in the literature supports potential biologic effect of variant (PMID: 22949682). 3) Diagnostic significance based on multiple small studies (Evidence Level C; PMIDs: 26091043, 22817889).

Literature cited by the submitters: PubMed 22949682; PubMed 26091043; PubMed 22817889.

NM_006218.4(PIK3CA):c.323_334del (p.Arg108_Ile112delinsLeu)

Gene: PIK3CA (phosphatidylinositol-4,5-bisphosphate 3-kinase catalytic subunit alpha; plus strand). Cytogenetic location: 3q26.32.
Variant type: Deletion.
Coding change: c.323_334del on transcript NM_006218.4 (MANE Select); coding-DNA positions 323 to 334, 12 bases deleted (GTGAAGAAAAGA).
Protein change: p.Arg108_Ile112delinsLeu.
Molecular consequence: inframe indel.
Genome position (GRCh38, 1-based): chr3:179,199,148-179,199,159, GTGAAGAAAAGA deleted. VCF-style (leftmost placement, unchanged base first): chr3-179199147-CGTGAAGAAAAGA-C. GRCh37 (hg19) VCF-style: chr3-178916935-CGTGAAGAAAAGA-C.
Identifiers: ClinVar variation 4530372 (VCV004530372.1).